The following is an entry in ClinVar:

ClinVar aggregate classification (germline): Likely pathogenic (1 of 4 stars; one submission).

Conditions:
Encephalopathy due to GLUT1 deficiency. Also called: Glucose transporter protein syndrome; De Vivo disease; GLUT1 deficiency syndrome 1; GLUT1 deficiency syndrome 1, infantile onset, severe; GLUCOSE TRANSPORT DEFECT, BLOOD-BRAIN BARRIER; Classic Glucose Transporter Type 1 Deficiency Syndrome. Identifiers: Orphanet 71277, MedGen C4551966, MONDO:0011724, OMIM 606777.

Submission:

Institute of Human Genetics, Heidelberg University
Classification: Likely pathogenic for Encephalopathy due to GLUT1 deficiency. Last evaluated: 2026-04-28. Review status: criteria provided, single submitter. Criteria: ACMG Guidelines, 2015. Collection method: clinical testing. Allele origin: unknown. Affected: yes. Observed: 1 variant allele.
Comment: PVS1_vs, PM2_supp

NM_006516.4(SLC2A1):c.599_621del (p.Gln200fs)

Gene: SLC2A1 (solute carrier family 2 member 1; minus strand). Cytogenetic location: 1p34.2.
Variant type: Deletion.
Coding change: c.599_621del on transcript NM_006516.4 (MANE Select); coding-DNA positions 599 to 621, 23 bases deleted (AGTGCATCGTGCTGCCCTTCTGC).
Protein change: p.Gln200fs; shifts the reading frame from glutamine 200.
Molecular consequence: frameshift variant.
Genome position (GRCh38, 1-based): chr1:42,929,931-42,929,953, GCAGAAGGGCAGCACGATGCACT deleted on the plus strand (AGTGCATCGTGCTGCCCTTCTGC on the coding strand, the reverse complement: SLC2A1 is on the minus strand); deleting any 23 consecutive bases within chr1:42,929,931-42,929,957 gives the same sequence; the c. name uses the placement nearest the transcript's 3' end. VCF-style (leftmost placement, unchanged base first): chr1-42929930-GGCAGAAGGGCAGCACGATGCACT-G. GRCh37 (hg19) VCF-style: chr1-43395601-GGCAGAAGGGCAGCACGATGCACT-G.
Other names: short protein forms Q200fs.
Identifiers: ClinVar variation 4850552 (VCV004850552.1).
Genomic context (GRCh38, chr1:42,929,930, plus strand): 5'-TACCACTCTTGGCCCGGTTCTCCTCGTTGCGGTTGATGAGCAGGAAGCGGGGACTCTCGG[GGCAGAAGGGCAGCACGATGCACT>G]GCAGCAGGGCCGGGATGAAGATGATGCTCAGCAGCAGGGGCCACAGGTCCTTGTTGCCCA-3'